The following is an entry in ClinVar:

NM_177550.5(SLC13A5):c.997C>T (p.Arg333Ter)

Gene: SLC13A5 (solute carrier family 13 member 5; minus strand). Cytogenetic location: 17p13.1.
Variant type: single nucleotide variant.
Coding change: c.997C>T on transcript NM_177550.5 (MANE Select); coding-DNA position 997, C replaced by T.
Protein change: p.Arg333Ter; replaces arginine 333 with a stop codon.
Molecular consequence: nonsense.
Genome position (GRCh38, 1-based): chr17:6,695,784, G>A on the plus strand (C>T on the coding strand, the complement: SLC13A5 is on the minus strand). VCF-style: chr17-6695784-G-A. GRCh37 (hg19) VCF-style: chr17-6599103-G-A.
Other names: NM_177550.4(SLC13A5):c.997C>T; p.Arg333Ter; c.997C>T, p.Arg333Ter (NM_001143838.3); c.946C>T, p.Arg316Ter (NM_001284509.2); c.868C>T, p.Arg290Ter (NM_001284510.2); short protein forms R333*, R290*, R316*.
Identifiers: ClinVar variation 280534 (VCV000280534.31), dbSNP rs773770609, ClinGen allele CA8331558.

ClinVar aggregate classification (germline): Pathogenic/Likely pathogenic. Review status: criteria provided, multiple submitters, no conflicts (2 of 4 stars). 10 submissions from 10 submitters: Pathogenic (7); Likely pathogenic (1). 2 of the submissions do not count toward it. Last evaluated 2024-02-06.

Conditions:
Inborn genetic diseases. Identifiers: MedGen C0950123, MeSH D030342.
Developmental and epileptic encephalopathy, 25 (DEE25). Also called: Epileptic encephalopathy, early infantile, 25; Developmental and epileptic encephalopathy 25, with amelogenesis imperfecta; Epileptic encephalopathy, early infantile, 25, with amelogenesis imperfecta. Identifiers: Orphanet 442835, MedGen C4014621, MONDO:0014392, OMIM 615905.

Allele frequency attached by ClinVar (database versions not stated): ExAC 0.00002; TOPMed 0.00004; gnomAD 0.00004 and 0.00003; gnomAD exomes 0.00002.
gnomAD v4.1: 25 of 1,614,006 alleles (0.0015%); highest among the groups gnomAD compares: Admixed American, 0.005%; no homozygotes.

Submissions (10):

Labcorp Genetics (formerly Invitae), Labcorp
Classification: Pathogenic for Developmental and epileptic encephalopathy, 25. Last evaluated: 2024-02-06. Review status: criteria provided, single submitter. Criteria: Invitae Variant Classification Sherloc (09022015). Collection method: clinical testing. Allele origin: germline.
Comment: This sequence change creates a premature translational stop signal (p.Arg333*) in the SLC13A5 gene. It is expected to result in an absent or disrupted protein product. Loss-of-function variants in SLC13A5 are known to be pathogenic (PMID: 24995870, 26384929). This variant is present in population databases (rs773770609, gnomAD 0.004%). This premature translational stop signal has been observed in individual(s) with Kohlschütter–Tönz syndrome, and intractable epilepsy (PMID: 27600704, 28673551). ClinVar contains an entry for this variant (Variation ID: 280534). For these reasons, this variant has been classified as Pathogenic.

GeneDx
Classification: Pathogenic. Last evaluated: 2023-07-26. Review status: criteria provided, single submitter. Criteria: GeneDx Variant Classification Process June 2021. Collection method: clinical testing. Allele origin: germline. Affected: yes.
Comment: Nonsense variant predicted to result in protein truncation or nonsense mediated decay in a gene for which loss-of-function is a known mechanism of disease; Not observed at significant frequency in large population cohorts (gnomAD); This variant is associated with the following publications: (PMID: 28673551, 27600704, 28327206, 33063863, 34233239, 37025451, 32551328, 34822404)

Women's Health and Genetics/Laboratory Corporation of America, LabCorp
Classification: Pathogenic for Developmental and epileptic encephalopathy, 25. Last evaluated: 2023-07-14. Review status: criteria provided, single submitter. Criteria: LabCorp Variant Classification Summary - May 2015. Collection method: clinical testing. Allele origin: germline.
Comment: Variant summary: SLC13A5 c.997C>T (p.Arg333X) results in a premature termination codon, predicted to cause absence of the protein due to nonsense mediated decay, which is a commonly known mechanism for disease. The variant allele was found at a frequency of 1.6e-05 in 251334 control chromosomes in gnomAD. c.997C>T has been reported in the literature at a homozygous state in multiple individuals affected with Developmental And Epileptic Encephalopathy, 25 (example: Pellegrino_2021) or KohlschtterTnz syndrome (example: Schossig_2017), which is a rare autosomal-recessive disease characterized by epileptic encephalopathy, intellectual disability and amelogenesis imperfecta. These data indicate that the variant is very likely to be associated with disease. To our knowledge, no experimental evidence demonstrating an impact on protein function has been reported. The following publications have been ascertained in the context of this evaluation (PMID: 34233239, 27600704). Eight submitters have cited clinical-significance assessments for this variant to ClinVar after 2014. All submitters classified the variant as pathogenic/likely pathogenic. Based on the evidence outlined above, the variant was classified as pathogenic.

Broad Center for Mendelian Genomics, Broad Institute of MIT and Harvard
Classification: Likely pathogenic for Developmental and epileptic encephalopathy, 25. Last evaluated: 2021-11-02. Review status: criteria provided, single submitter. Criteria: ACMG Guidelines, 2015. Collection method: curation. Allele origin: germline. Inheritance: Autosomal recessive inheritance.
Comment: The p.Arg333Ter variant in SLC13A5 has been reported in at least 8 individuals with developmental and epileptic encephalopathy (PMID: 27600704, 28673551, 32551328, outside source), segregated with disease in 1 affected relative from 1 family (PMID: 27600704), and has been identified in 0.004% (1/24968) of African/African-American chromosomes by the Genome Aggregation Database (gnomAD; dbSNP ID: rs773770609). Although this variant has been seen in the general population in a heterozygous state, its frequency is low enough to be consistent with a recessive carrier frequency. Of the 8 affected individuals, at least 2 were homozygotes which increases the likelihood that the p.Arg333Ter variant is pathogenic (PMID: 27600704, TESS cohort). This variant has also been reported in ClinVar (Variation ID#: 280534) and has been interpreted as Pathogenic by Fulgent Genetics, GeneDx, Institute of Human Genetics (Klinikum rechts der Isar), Invitae, Ambry Genetics, Lupski Lab, Baylor-Hopkins CMG (Baylor College of Medicine), and OMIM. This nonsense variant leads to a premature termination codon at position 333, which is predicted to lead to a truncated or absent protein. Loss of function of the SLC13A5 gene is strongly associated to autosomal recessive developmental and epileptic encephalopathy. In summary, although additional studies are required to fully establish its clinical significance, this variant is likely pathogenic for autosomal recessive developmental and epileptic encephalopathy. ACMG/AMP Criteria applied: PVS1_strong, PM2_supporting, PM3 (Richards 2015).

Genome-Nilou Lab
Classification: Pathogenic for Developmental and epileptic encephalopathy, 25. Last evaluated: 2021-07-15. Review status: criteria provided, single submitter. Criteria: ACMG Guidelines, 2015. Collection method: clinical testing. Allele origin: germline. Affected: no.

Institute of Human Genetics Munich, TUM University Hospital
Classification: Pathogenic for Developmental and epileptic encephalopathy, 25. Last evaluated: 2020-01-16. Review status: criteria provided, single submitter. Criteria: Classification criteria August 2017. Collection method: clinical testing. Allele origin: inherited. Inheritance: Autosomal recessive inheritance. Affected: yes. Observed: 1 homozygote.

Fulgent Genetics
Classification: Pathogenic for Developmental and epileptic encephalopathy, 25. Last evaluated: 2018-10-31. Review status: criteria provided, single submitter. Criteria: ACMG Guidelines, 2015. Collection method: clinical testing. Allele origin: unknown.

Ambry Genetics
Classification: Pathogenic for Inborn genetic diseases. Last evaluated: 2017-03-17. Review status: criteria provided, single submitter. Criteria: Ambry Variant Classification Scheme 2023. Collection method: clinical testing. Allele origin: germline.
Comment: The p.R333* pathogenic mutation (also known as c.997C>T), located in coding exon 7 of the SLC13A5 gene, results from a C to T substitution at nucleotide position 997. This changes the amino acid from an arginine to a stop codon within coding exon 7. This alteration is expected to result in loss of function by premature protein truncation or nonsense-mediated mRNA decay. As such, this alteration is interpreted as a disease-causing mutation.

OMIM
Classification: Pathogenic for DEVELOPMENTAL AND EPILEPTIC ENCEPHALOPATHY 25 WITH AMELOGENESIS IMPERFECTA. Last evaluated: 2021-10-07. Review status: no assertion criteria provided. Collection method: literature only. Allele origin: germline. Not counted in ClinVar's aggregate classification.

Lupski Lab, Baylor-Hopkins CMG, Baylor College of Medicine
Classification: Pathogenic for Developmental and epileptic encephalopathy, 25. Review status: no assertion criteria provided. Collection method: research. Allele origin: germline. Inheritance: Autosomal recessive inheritance. Affected: yes. Not counted in ClinVar's aggregate classification.

Literature cited by the submitters: PubMed 24995870 (cited by Labcorp Genetics (formerly Invitae), Labcorp); PubMed 26384929 (cited by Labcorp Genetics (formerly Invitae), Labcorp); PubMed 27600704 (cited by 3 submitters); PubMed 28673551 (cited by Labcorp Genetics (formerly Invitae), Labcorp); PubMed 34233239 (cited by Women's Health and Genetics/Laboratory Corporation of America, LabCorp).